The following is an entry in ClinVar:

ClinVar aggregate classification (germline): Likely benign. Review status: criteria provided, multiple submitters, no conflicts (2 of 4 stars). 3 submissions from 3 submitters: Likely benign (3). Last evaluated 2024-12-30.

Conditions:
Brugada syndrome. Also called: Sudden unexpected nocturnal death syndrome; Sudden Unexplained Death Syndrome; Sudden Unexplained Nocturnal Death Syndrome (SUNDS); Sudden unexplained nocturnal death syndrome. Identifiers: Orphanet 130, MedGen C1142166, MONDO:0015263.

Allele frequency attached by ClinVar (database versions not stated): TOPMed 0.00003; gnomAD 0.00004.
gnomAD v4.1: 75 of 1,304,042 alleles (0.0058%); highest among the groups gnomAD compares: Non-Finnish European, 0.0079%; no homozygotes.

Submissions (3):

Labcorp Genetics (formerly Invitae), Labcorp
Classification: Likely benign for Brugada syndrome. Last evaluated: 2024-12-30. Review status: criteria provided, single submitter. Criteria: Invitae Variant Classification Sherloc (09022015). Collection method: clinical testing. Allele origin: germline.

Blueprint Genetics
Classification: Likely benign. Last evaluated: 2023-09-15. Review status: criteria provided, single submitter. Criteria: ACMG Guidelines, 2015. Collection method: clinical testing. Allele origin: germline.

GeneDx
Classification: Likely benign. Last evaluated: 2017-07-26. Review status: criteria provided, single submitter. Criteria: GeneDx Variant Classification (06012015). Collection method: clinical testing. Allele origin: germline. Affected: yes.
Comment: This variant is considered likely benign or benign based on one or more of the following criteria: it is a conservative change, it occurs at a poorly conserved position in the protein, it is predicted to be benign by multiple in silico algorithms, and/or has population frequency not consistent with disease.

NM_000722.4(CACNA2D1):c.1796+8A>G

Gene: CACNA2D1 (calcium voltage-gated channel auxiliary subunit alpha2delta 1; minus strand). Cytogenetic location: 7q21.11.
Variant type: single nucleotide variant.
Coding change: c.1796+8A>G on transcript NM_000722.4 (MANE Select); 8 bases into the intron after coding-DNA position 1796, A replaced by G.
Molecular consequence: intron variant.
Genome position (GRCh38, 1-based): chr7:81,991,177, T>C on the plus strand (A>G on the coding strand, the complement: CACNA2D1 is on the minus strand). VCF-style: chr7-81991177-T-C. GRCh37 (hg19) VCF-style: chr7-81620493-T-C.
Other names: c.1853+8A>G (NM_001366867.1); c.1796+8A>G (LRG_437t1).
Identifiers: ClinVar variation 511058 (VCV000511058.10), dbSNP rs200882576, ClinGen allele CA161120796.